The following is an entry in ClinVar:

ClinVar aggregate classification (germline): Benign. Review status: criteria provided, multiple submitters, no conflicts (2 of 4 stars). 3 submissions from 3 submitters: Benign (2). 1 of the submissions does not count toward it. Last evaluated 2018-11-14.

Conditions:
TEX15-related disorder. Also called: TEX15-related condition.

Allele frequency attached by ClinVar (database versions not stated): gnomAD exomes 0.00075 and 0.00197; ExAC 0.00231; 1000 Genomes Project 0.00719; 1000 Genomes Project 30x 0.00781; gnomAD 0.00805 and 0.00849; ESP Exome Variant Server 0.00823; TOPMed 0.00895.
gnomAD v4.1: 2,367 of 1,614,162 alleles (0.15%); highest among the groups gnomAD compares: African/African-American, 2.7%; 24 homozygotes.

Submissions (3):

Labcorp Genetics (formerly Invitae), Labcorp
Classification: Benign. Last evaluated: 2018-11-14. Review status: criteria provided, single submitter. Criteria: Invitae Variant Classification Sherloc (09022015). Collection method: clinical testing. Allele origin: germline.

Breakthrough Genomics
Classification: Benign. Review status: criteria provided, single submitter. Criteria: ACMG Guidelines, 2015. Collection method: not provided. Allele origin: germline. Inheritance: Autosomal recessive inheritance. Affected: yes.

PreventionGenetics, part of Exact Sciences
Classification: Benign for TEX15-related condition. Last evaluated: 2019-06-07. Review status: no assertion criteria provided. Collection method: clinical testing. Allele origin: germline. Not counted in ClinVar's aggregate classification.
Comment: This variant is classified as benign based on ACMG/AMP sequence variant interpretation guidelines (Richards et al. 2015 PMID: 25741868, with internal and published modifications).

NM_001350162.2(TEX15):c.1350A>T (p.Ala450=)

Gene: TEX15 (testis expressed 15, meiosis and synapsis associated; minus strand). Cytogenetic location: 8p12.
Variant type: single nucleotide variant.
Coding change: c.1350A>T on transcript NM_001350162.2 (MANE Select); coding-DNA position 1350, A replaced by T.
Protein change: p.Ala450=; no amino-acid change (alanine 450 retained).
Molecular consequence: synonymous variant. On other transcripts: non-coding transcript variant (1).
Genome position (GRCh38, 1-based): chr8:30,848,817, T>A on the plus strand (A>T on the coding strand, the complement: TEX15 is on the minus strand). VCF-style: chr8-30848817-T-A. GRCh37 (hg19) VCF-style: chr8-30706333-T-A.
Other names: c.201A>T (NM_031271.3).
Identifiers: ClinVar variation 789765 (VCV000789765.6), dbSNP rs62000456, ClinGen allele CA4703649.
Genomic context (GRCh38, chr8:30,848,817, plus strand): 5'-TTTTATTTCTGAATTAACATTATCTGAACTCTTCTCAAATTGCAAAACCTCATTTAAGCC[T>A]GCAGTACTACTCTGTTCTCCCATACTTTCTTCTCTCCTCATCAGTCTTGGGTCTTTGATG-3'
Protein context (NP_001337091.1, residues 440-460): EESMGEQSST[Ala450=]GLNEVLQFEK